The following is an entry in ClinVar:

NM_001371623.1(TCOF1):c.703G>T (p.Ala235Ser)

Gene: TCOF1 (treacle ribosome biogenesis factor 1; plus strand). Cytogenetic location: 5q32.
Variant type: single nucleotide variant.
Coding change: c.703G>T on transcript NM_001371623.1 (MANE Select); coding-DNA position 703, G replaced by T.
Protein change: p.Ala235Ser; replaces alanine 235 with serine.
Molecular consequence: missense variant. On other transcripts: intron variant (3).
Genome position (GRCh38, 1-based): chr5:150,372,069, G>T. VCF-style: chr5-150372069-G-T. GRCh37 (hg19) VCF-style: chr5-149751632-G-T.
Other names: c.703G>T, p.Ala235Ser (NM_001008657.3, NM_001135243.2, NM_001135244.2 and 1 more transcripts); c.640-2105G>T (NM_001437406.1, NM_001135245.2, NM_000356.4); short protein forms A235S.
Identifiers: ClinVar variation 4819546 (VCV004819546.1).
Genomic context (GRCh38, chr5:150,372,069, plus strand): 5'-AAACCCTCAGTAAAACCAGCCCAGGTCAAAGCCTCATCAGTTTCTACTAAGGAGTCTCCA[G>T]CAAGAAAGGCGGCCCCAGCCCCTGGGAAGGTGGGGGATGTGACACCCCAGGTCAAAGGAG-3'
Protein context (NP_001358552.1, residues 225-245): ASSVSTKESP[Ala235Ser]RKAAPAPGKV

ClinVar aggregate classification (germline): Likely benign (1 of 4 stars; one submission).

Conditions:
Treacher Collins syndrome 1 (TCS1). Also called: TCOF1-Related Treacher Collins Syndrome. Identifiers: Orphanet 861, MedGen CN315775, MONDO:0007944, OMIM 154500.

Submission:

Centre for Medical Genetics,  Mumbai
Classification: Likely benign for Treacher Collins syndrome 1. Last evaluated: 2026-03-16. Review status: criteria provided, single submitter. Criteria: ACMG Guidelines, 2015. Collection method: provider interpretation. Allele origin: germline. Inheritance: Autosomal dominant inheritance. Affected: no. Observed: 1 variant allele, 1 heterozygote.
Comment: The variant satisfies PM2 criteria; Extremely low frequency in gnomAD population databases. The variant satisfies BP4 criteria; For a missense or a splice region variant, computational prediction tools unanimously support a benign effect on the gene. However, the variant satisfies BS2 criteria.

Literature cited by the submitters: PubMed 8875242.